The following is an entry in ClinVar:

ClinVar aggregate classification (germline): Pathogenic. Review status: criteria provided, multiple submitters, no conflicts (2 of 4 stars). 4 submissions from 4 submitters: Pathogenic (4). Last evaluated 2023-12-20.

Conditions:
Childhood onset hearing loss.
Usher syndrome type 1D (USH1D). Also called: USHER SYNDROME, TYPE ID. Identifiers: Orphanet 231169, Orphanet 886, MedGen C1832845, MONDO:0010984, OMIM 601067.

Submissions (4):

3billion
Classification: Pathogenic for Usher syndrome type 1D. Last evaluated: 2023-12-20. Review status: criteria provided, single submitter. Criteria: ACMG Guidelines, 2015. Collection method: clinical testing. Allele origin: germline. Affected: yes.
Comment: The variant is not observed in the gnomAD v2.1.1 dataset. Predicted Consequence/Location: Stop-gained (nonsense): predicted to result in a loss or disruption of normal protein function through nonsense-mediated decay (NMD) or protein truncation. Multiple pathogenic variants are reported downstream of the variant. The variant has been reported at least twice as pathogenic with clinical assertions and evidence for the classification (ClinVar ID: VCV001027560 /PMID: 34837038). Therefore, this variant is classified as Pathogenic according to the recommendation of ACMG/AMP guideline.

Labcorp Genetics (formerly Invitae), Labcorp
Classification: Pathogenic. Last evaluated: 2022-11-28. Review status: criteria provided, single submitter. Criteria: Invitae Variant Classification Sherloc (09022015). Collection method: clinical testing. Allele origin: germline.
Comment: For these reasons, this variant has been classified as Pathogenic. ClinVar contains an entry for this variant (Variation ID: 1027560). This variant has not been reported in the literature in individuals affected with CDH23-related conditions. This variant is not present in population databases (gnomAD no frequency). This sequence change creates a premature translational stop signal (p.Gln91*) in the CDH23 gene. It is expected to result in an absent or disrupted protein product. Loss-of-function variants in CDH23 are known to be pathogenic (PMID: 11138009, 21940737).

GeneDx
Classification: Pathogenic. Last evaluated: 2022-06-30. Review status: criteria provided, single submitter. Criteria: GeneDx Variant Classification Process June 2021. Collection method: clinical testing. Allele origin: germline. Affected: yes.
Comment: Nonsense variant predicted to result in protein truncation or nonsense mediated decay in a gene for which loss of function is a known mechanism of disease; Not observed at significant frequency in large population cohorts (gnomAD); Has not been previously published as pathogenic or benign to our knowledge; This variant is associated with the following publications: (PMID: 21940737, 11138009)

National Institute on Deafness and Communication Disorders, National Institutes of Health
Classification: Pathogenic for Childhood onset hearing loss. Last evaluated: 2021-07-08. Review status: criteria provided, single submitter. Criteria: ClinGen HL ACMG Specifications v1. Collection method: research. Allele origin: germline. Inheritance: Autosomal recessive inheritance. Affected: yes. Observed: 1 heterozygote. Segregation with disease not observed.
Comment: PVS1, PM2, PM3 / Modifications from PMID: 30311386 for classification: The genetic causes of hearing loss have not yet been well characterized in the Yoruba population, and the information regarding variant MAF in this population is still limited, so we did not exclude any variant based on their "high" MAF. PP3 criteria was applied even if the REVEL score was below 0.7, if at least two of the pathogenicity prediction algorithms used predicted that the variant was damaging or likely damaging.

was found associated with NM_022124.6:c.5237G>A and NM_022124.6:c.8177C>T

Literature cited by the submitters: PubMed 34837038 (cited by 3billion); PubMed 11138009 (cited by Labcorp Genetics (formerly Invitae), Labcorp); PubMed 21940737 (cited by Labcorp Genetics (formerly Invitae), Labcorp).

NM_022124.6(CDH23):c.271C>T (p.Gln91Ter)

Genes: CDH23 (cadherin related 23; plus strand), CDH23-AS1 (CDH23 antisense RNA 1; minus strand). Cytogenetic location: 10q22.1.
Variant type: single nucleotide variant.
Coding change: c.271C>T on transcript NM_022124.6 (MANE Select); coding-DNA position 271, C replaced by T.
Protein change: p.Gln91Ter; replaces glutamine 91 with a stop codon.
Molecular consequence: nonsense.
Genome position (GRCh38, 1-based): chr10:71,510,207, C>T. VCF-style: chr10-71510207-C-T. GRCh37 (hg19) VCF-style: chr10-73269964-C-T.
Other names: c.271C>T (NM_022124.5); c.271C>T, p.Gln91Ter (NM_001171932.2, NM_052836.4, NM_001171930.2 and 1 more transcripts); short protein forms Q91*.
Identifiers: ClinVar variation 1027560 (VCV001027560.9), dbSNP rs1853882557, ClinGen allele CA377114620.